The following is an entry in ClinVar:

ClinVar aggregate classification (germline): Likely benign. Review status: criteria provided, multiple submitters, no conflicts (2 of 4 stars). 4 submissions from 4 submitters: Likely benign (4). Last evaluated 2025-07-30.

Conditions:
Hereditary cancer-predisposing syndrome. Also called: Neoplastic Syndromes, Hereditary; Hereditary Cancer Syndrome; Tumor predisposition; Hereditary neoplastic syndrome. Identifiers: Orphanet 140162, MedGen C0027672, MeSH D009386, MONDO:0015356.
Lynch syndrome 4 (LYNCH4). Also called: Colorectal cancer, hereditary nonpolyposis, type 4; Hereditary non-polyposis colorectal cancer, type 4. Identifiers: Orphanet 144, MedGen C1838333, MONDO:0013699, OMIM 614337. Disease mechanism: loss of function.
Hereditary nonpolyposis colorectal neoplasms. Identifiers: MedGen C0009405, MeSH D003123.
Lynch syndrome. Identifiers: Orphanet 144, MedGen C4552100, MONDO:0005835. Disease mechanism: loss of function.

Submissions (4):

Labcorp Genetics (formerly Invitae), Labcorp
Classification: Likely benign for Hereditary nonpolyposis colorectal neoplasms. Last evaluated: 2025-07-30. Review status: criteria provided, single submitter. Criteria: Invitae Variant Classification Sherloc (09022015). Collection method: clinical testing. Allele origin: germline.

Myriad Genetics, Inc.
Classification: Likely benign for Lynch syndrome 4. Last evaluated: 2025-01-24. Review status: criteria provided, single submitter. Criteria: Myriad Autosomal Dominant, Autosomal Recessive and X-Linked Classification Criteria (2023). Collection method: clinical testing. Allele origin: unknown.
Comment: This variant is considered likely benign. This variant is intronic and is not expected to impact mRNA splicing.

All of Us Research Program, National Institutes of Health
Classification: Likely benign for Lynch syndrome. Last evaluated: 2023-05-16. Review status: criteria provided, single submitter. Criteria: ACMG Guidelines, 2015. Collection method: clinical testing. Allele origin: germline. Inheritance: Autosomal dominant inheritance. Observed: 1 variant allele, 1 heterozygote.
Comment: This study involves interpretation of variants in research participants for the purpose of population health screening. Participant phenotype was not available at the time of variant classification. Additional details can be found in publication PMID: 35346344, PMCID: PMC8962531

Color Diagnostics, LLC DBA Color Health
Classification: Likely benign for Hereditary cancer-predisposing syndrome. Last evaluated: 2023-05-12. Review status: criteria provided, single submitter. Criteria: ACMG Guidelines, 2015. Collection method: clinical testing. Allele origin: germline.

NM_000535.7(PMS2):c.354-14G>T

Gene: PMS2 (PMS1 homolog 2, mismatch repair system component; minus strand). Cytogenetic location: 7p22.1.
Variant type: single nucleotide variant.
Coding change: c.354-14G>T on transcript NM_000535.7 (MANE Select); 14 bases into the intron before coding-DNA position 354, G replaced by T.
Molecular consequence: intron variant. On other transcripts: missense variant (1).
Genome position (GRCh38, 1-based): chr7:6,002,650, C>A on the plus strand (G>T on the coding strand, the complement: PMS2 is on the minus strand). VCF-style: chr7-6002650-C-A. GRCh37 (hg19) VCF-style: chr7-6042281-C-A.
Other names: c.31G>T, p.Val11Leu (NM_001322015.2); c.36-14G>T (NM_001322008.2, NM_001322007.2); c.-52-14G>T (NM_001322010.2, NM_001322004.2, NM_001322013.2 and 3 more transcripts); c.-531-14G>T (NM_001322012.2, NM_001322011.2); c.354-14G>T (NM_001322006.2, NM_001322014.2); short protein forms V11L.
Identifiers: ClinVar variation 927649 (VCV000927649.10), dbSNP rs1785236527, ClinGen allele CA1139659966.